The following is an entry in ClinVar:

NM_001356.5(DDX3X):c.857C>A (p.Ala286Asp)

Gene: DDX3X (DEAD-box helicase 3 X-linked; plus strand). Cytogenetic location: Xp11.4.
Variant type: single nucleotide variant.
Coding change: c.857C>A on transcript NM_001356.5 (MANE Select); coding-DNA position 857, C replaced by A.
Protein change: p.Ala286Asp; replaces alanine 286 with aspartic acid.
Molecular consequence: missense variant. On other transcripts: non-coding transcript variant (1).
Genome position (GRCh38, 1-based): chrX:41,344,121, C>A. VCF-style: chrX-41344121-C-A. GRCh37 (hg19) VCF-style: chrX-41203374-C-A.
Other names: c.857C>A, p.Ala286Asp (NM_001193416.3); c.809C>A, p.Ala270Asp (NM_001193417.3); c.299C>A, p.Ala100Asp (NM_001363819.1); short protein forms A100D, A270D, A286D.
Identifiers: ClinVar variation 932105 (VCV000932105.3), dbSNP rs2063889955, ClinGen allele CA412770423.

ClinVar aggregate classification (germline): Uncertain significance (1 of 4 stars; one submission).

Conditions:
Intellectual disability, X-linked 102 (MRXSSB). Also called: Intellectual developmental disorder, X-linked syndromic, Snijders Blok type. Identifiers: Orphanet 457260, MedGen C5393299, MONDO:0010497, OMIM 300958.

Submission:

Centre for Mendelian Genomics, University Medical Centre Ljubljana
Classification: Uncertain significance for Intellectual disability, X-linked 102. Last evaluated: 2019-06-11. Review status: criteria provided, single submitter. Criteria: ACMG Guidelines, 2015. Collection method: clinical testing. Allele origin: unknown. Affected: yes.
Comment: This variant was classified as: Uncertain significance. The available evidence favors the pathogenic nature of this variant, however the currently available data is insufficient to conclusively support its pathogenic nature. Thus this variant is classified as Uncertain significance - favor pathogenic. The following ACMG criteria were applied in classifying this variant: PM2,PP3.